The following is an entry in ClinVar:

ClinVar aggregate classification (germline): Uncertain significance (1 of 4 stars; one submission).

Conditions:
MC3R-related disorder. Also called: MC3R-related condition.

Submission:

PreventionGenetics, part of Exact Sciences
Classification: Uncertain significance for MC3R-related condition. Last evaluated: 2026-03-02. Review status: criteria provided, single submitter. Criteria: ACMG Guidelines, 2015. Collection method: clinical testing. Allele origin: germline.
Comment: The MC3R c.173delT variant is predicted to result in a frameshift and premature protein termination (p.Leu58Argfs*30). To our knowledge, this variant has not been reported in the literature or in a large population database (gnomAD), indicating this variant is rare. Loss of function is not an established mechanism of MC3R-related disease. Although we suspect that this variant may be pathogenic, at this time, the clinical significance of this variant is uncertain due to the absence of conclusive functional and genetic evidence.

NM_019888.3(MC3R):c.173del (p.Leu58fs)

Gene: MC3R (melanocortin 3 receptor; plus strand). Cytogenetic location: 20q13.2.
Variant type: Deletion.
Coding change: c.173del on transcript NM_019888.3 (MANE Select); coding-DNA position 173, one base deleted (T; older notation c.173delT).
Protein change: p.Leu58fs; shifts the reading frame from leucine 58.
Molecular consequence: frameshift variant.
Genome position (GRCh38, 1-based): chr20:56,249,016, T deleted. VCF-style (leftmost placement, unchanged base first): chr20-56249015-CT-C. GRCh37 (hg19) VCF-style: chr20-54824071-CT-C.
Other names: c.173delT (NM_019888.3); short protein forms L58fs.
Identifiers: ClinVar variation 4994304 (VCV004994304.1).